The following is an entry in ClinVar:

NM_002458.3(MUC5B):c.9626G>A (p.Arg3209Lys)

Genes: MUC5B (mucin 5B, oligomeric mucus/gel-forming; plus strand), MUC5B-AS1 (MUC5B antisense RNA 1; minus strand). Cytogenetic location: 11p15.5.
Variant type: single nucleotide variant.
Coding change: c.9626G>A on transcript NM_002458.3 (MANE Select); coding-DNA position 9626, G replaced by A.
Protein change: p.Arg3209Lys; replaces arginine 3209 with lysine.
Molecular consequence: missense variant.
Genome position (GRCh38, 1-based): chr11:1,246,506, G>A. VCF-style: chr11-1246506-G-A. GRCh37 (hg19) VCF-style: chr11-1267736-G-A.
Other names: short protein forms R3209K.
Identifiers: ClinVar variation 403157 (VCV000403157.5), dbSNP rs184215485, ClinGen allele CA5807084.

ClinVar aggregate classification (germline): Benign. Review status: criteria provided, multiple submitters, no conflicts (2 of 4 stars). 2 submissions from 2 submitters: Benign (2). Last evaluated 2016-03-28.

Allele frequency attached by ClinVar (database versions not stated): gnomAD exomes 0.00978; 1000 Genomes Project 30x 0.01468; TOPMed 0.02044; ExAC 0.02267; gnomAD 0.02551.

Submissions (2):

Laboratory for Molecular Medicine, Mass General Brigham Personalized Medicine
Classification: Benign. Last evaluated: 2016-03-28. Review status: criteria provided, single submitter. Criteria: LMM Criteria. Collection method: clinical testing. Allele origin: germline.
Comment: Variant identified in a genome or exome case(s) and assessed due to predicted null impact of the variant or pathogenic assertions in the literature or databases. Disclaimer: This variant has not undergone full assessment. The following are preliminary notes: Frequency

Breakthrough Genomics
Classification: Benign. Review status: criteria provided, single submitter. Criteria: ACMG Guidelines, 2015. Collection method: not provided. Allele origin: germline. Inheritance: Autosomal dominant inheritance. Affected: yes.